The following is an entry in ClinVar:

NM_030773.4(TUBB1):c.724T>C (p.Phe242Leu)

Gene: TUBB1 (tubulin beta 1 class VI; plus strand). Cytogenetic location: 20q13.32.
Variant type: single nucleotide variant.
Coding change: c.724T>C on transcript NM_030773.4 (MANE Select); coding-DNA position 724, T replaced by C.
Protein change: p.Phe242Leu; replaces phenylalanine 242 with leucine.
Molecular consequence: missense variant.
Genome position (GRCh38, 1-based): chr20:59,024,151, T>C. VCF-style: chr20-59024151-T-C. GRCh37 (hg19) VCF-style: chr20-57599206-T-C.
Other names: short protein forms F242L.
Identifiers: ClinVar variation 3682402 (VCV003682402.3).

ClinVar aggregate classification (germline): Uncertain significance. Review status: criteria provided, multiple submitters, no conflicts (2 of 4 stars). 2 submissions from 2 submitters: Uncertain significance (2). Last evaluated 2025-09-12.

Conditions:
TUBB1-related disorder. Also called: TUBB1-related condition.

gnomAD v4.1: 2 of 1,614,176 alleles (0.00012%); highest among the groups gnomAD compares: Non-Finnish European, 0.00017%; no homozygotes.

Submissions (2):

PreventionGenetics, part of Exact Sciences
Classification: Uncertain significance for TUBB1-related condition. Last evaluated: 2025-09-12. Review status: criteria provided, single submitter. Criteria: ACMG Guidelines, 2015. Collection method: clinical testing. Allele origin: germline.
Comment: The TUBB1 c.724T>C variant is predicted to result in the amino acid substitution p.Phe242Leu. To our knowledge, this variant has not been reported in the literature. However, a different nucleotide change results in the same amino acid substitution (c.726C>G, p.Phe242Leu) has been reported in an individual with thrombocytopenia (Johnson et al. 2016. PubMed ID: 27479822). This variant is not reported in a large population database (gnomAD), indicating this variant is rare. At this time, the clinical significance of this variant is uncertain due to the absence of conclusive functional and genetic evidence.

Labcorp Genetics (formerly Invitae), Labcorp
Classification: Uncertain significance. Last evaluated: 2024-11-10. Review status: criteria provided, single submitter. Criteria: Invitae Variant Classification Sherloc (09022015). Collection method: clinical testing. Allele origin: germline.
Comment: This sequence change replaces phenylalanine, which is neutral and non-polar, with leucine, which is neutral and non-polar, at codon 242 of the TUBB1 protein (p.Phe242Leu). This variant is not present in population databases (gnomAD no frequency). This missense change has been observed in individual(s) with thrombocytopaenia (PMID: 27479822). Invitae Evidence Modeling of protein sequence and biophysical properties (such as structural, functional, and spatial information, amino acid conservation, physicochemical variation, residue mobility, and thermodynamic stability) indicates that this missense variant is expected to disrupt TUBB1 protein function with a positive predictive value of 80%. In summary, the available evidence is currently insufficient to determine the role of this variant in disease. Therefore, it has been classified as a Variant of Uncertain Significance.

Literature cited by the submitters: PubMed 27479822 (cited by Labcorp Genetics (formerly Invitae), Labcorp).